The following is an entry in ClinVar:

ClinVar aggregate classification (germline): Uncertain significance (1 of 4 stars; one submission).

Conditions:
Hypotonia, infantile, with psychomotor retardation and characteristic facies 2 (IHPRF2). Also called: UNC80 Deficiency. Identifiers: Orphanet 371364, Orphanet 700333, MedGen C4225203, MONDO:0014777, OMIM 616801.

Submission:

Juno Genomics, Hangzhou Juno Genomics, Inc
Classification: Uncertain significance for Hypotonia, infantile, with psychomotor retardation and characteristic facies 2. Review status: criteria provided, single submitter. Criteria: ACMG Guidelines, 2015. Collection method: clinical testing. Allele origin: germline.
Comment: Absent from controls (or at extremely low frequency if recessive) in Genome Aggregation Database.;Missense variant in a gene that has a low rate of benign missense variation.

NM_001371986.1(UNC80):c.6655G>A (p.Glu2219Lys)

Gene: UNC80 (unc-80 subunit of NALCN channel complex; plus strand). Cytogenetic location: 2q34.
Variant type: single nucleotide variant.
Coding change: c.6655G>A on transcript NM_001371986.1 (MANE Select); coding-DNA position 6655, G replaced by A.
Protein change: p.Glu2219Lys; replaces glutamic acid 2219 with lysine.
Molecular consequence: missense variant.
Genome position (GRCh38, 1-based): chr2:209,941,229, G>A. VCF-style: chr2-209941229-G-A. GRCh37 (hg19) VCF-style: chr2-210805953-G-A.
Other names: c.6457G>A, p.Glu2153Lys (NM_032504.2); c.6442G>A, p.Glu2148Lys (NM_182587.4); short protein forms E2153K, E2148K, E2219K.
Identifiers: ClinVar variation 5006200 (VCV005006200.2).